The following is an entry in ClinVar:

ClinVar aggregate classification (germline): Uncertain significance. Review status: criteria provided, multiple submitters, no conflicts (2 of 4 stars). 2 submissions from 2 submitters: Uncertain significance (2). Last evaluated 2024-10-01.

Conditions:
Familial sleep-related hypermotor epilepsy. Also called: Autosomal Dominant Sleep-Related Hypermotor (Hyperkinetic) Epilepsy. Identifiers: Orphanet 98784, MedGen C3696898, MONDO:0000030.
Inborn genetic diseases. Identifiers: MedGen C0950123, MeSH D030342.

Allele frequency attached by ClinVar (database versions not stated): gnomAD exomes below 0.00001.
gnomAD v4.1: 14 of 1,613,170 alleles (0.00087%); highest among the groups gnomAD compares: Non-Finnish European, 0.0011%; no homozygotes.

Submissions (2):

Ambry Genetics
Classification: Uncertain significance for Inborn genetic diseases. Last evaluated: 2024-10-01. Review status: criteria provided, single submitter. Criteria: Ambry Variant Classification Scheme 2023. Collection method: clinical testing. Allele origin: germline.

Labcorp Genetics (formerly Invitae), Labcorp
Classification: Uncertain significance. Last evaluated: 2024-09-15. Review status: criteria provided, single submitter. Criteria: Invitae Variant Classification Sherloc (09022015). Collection method: clinical testing. Allele origin: germline.
Comment: This sequence change replaces leucine, which is neutral and non-polar, with valine, which is neutral and non-polar, at codon 460 of the CHRNA2 protein (p.Leu460Val). This variant is present in population databases (no rsID available, gnomAD 0.0009%). This variant has not been reported in the literature in individuals affected with CHRNA2-related conditions. ClinVar contains an entry for this variant (Variation ID: 962637). Invitae Evidence Modeling of protein sequence and biophysical properties (such as structural, functional, and spatial information, amino acid conservation, physicochemical variation, residue mobility, and thermodynamic stability) indicates that this missense variant is not expected to disrupt CHRNA2 protein function with a negative predictive value of 80%. In summary, the available evidence is currently insufficient to determine the role of this variant in disease. Therefore, it has been classified as a Variant of Uncertain Significance.

NM_000742.4(CHRNA2):c.1378C>G (p.Leu460Val)

Gene: CHRNA2 (cholinergic receptor nicotinic alpha 2 subunit; minus strand). Cytogenetic location: 8p21.2.
Variant type: single nucleotide variant.
Coding change: c.1378C>G on transcript NM_000742.4 (MANE Select); coding-DNA position 1378, C replaced by G.
Protein change: p.Leu460Val; replaces leucine 460 with valine.
Molecular consequence: missense variant.
Genome position (GRCh38, 1-based): chr8:27,463,065, G>C on the plus strand (C>G on the coding strand, the complement: CHRNA2 is on the minus strand). VCF-style: chr8-27463065-G-C. GRCh37 (hg19) VCF-style: chr8-27320582-G-C.
Other names: c.1333C>G, p.Leu445Val (NM_001282455.2); c.901C>G, p.Leu301Val (NM_001347705.2, NM_001347706.2); c.784C>G, p.Leu262Val (NM_001347707.2, NM_001347708.2); short protein forms L445V, L262V, L301V, L460V.
Identifiers: ClinVar variation 962637 (VCV000962637.9), dbSNP rs765948265, ClinGen allele CA370808041.